The following is an entry in ClinVar:

NM_002282.3(KRT83):c.910A>T (p.Ser304Cys)

Gene: KRT83 (keratin 83; minus strand). Cytogenetic location: 12q13.13.
Variant type: single nucleotide variant.
Coding change: c.910A>T on transcript NM_002282.3 (MANE Select); coding-DNA position 910, A replaced by T.
Protein change: p.Ser304Cys; replaces serine 304 with cysteine.
Molecular consequence: missense variant.
Genome position (GRCh38, 1-based): chr12:52,316,864, T>A on the plus strand (A>T on the coding strand, the complement: KRT83 is on the minus strand). VCF-style: chr12-52316864-T-A. GRCh37 (hg19) VCF-style: chr12-52710648-T-A.
Other names: short protein forms S304C.
Identifiers: ClinVar variation 309513 (VCV000309513.6), dbSNP rs770757336, ClinGen allele CA6577481.

ClinVar aggregate classification (germline): Conflicting classifications of pathogenicity. Review status: criteria provided, conflicting classifications (1 of 4 stars). 2 submissions from 2 submitters: Uncertain significance (1); Benign (1). Last evaluated 2025-02-07.

Conditions:
Monilethrix. Also called: Beaded hair. Identifiers: Orphanet 573, MedGen C0546966, MONDO:0008009, HP:0032470.

Allele frequency attached by ClinVar (database versions not stated): gnomAD exomes 0.00004 and 0.00001; TOPMed 0.00005; gnomAD 0.00003; ExAC 0.00002.
gnomAD v4.1: 15 of 1,614,160 alleles (0.00093%); highest among the groups gnomAD compares: East Asian, 0.033%; no homozygotes.

Submissions (2):

Ambry Genetics
Classification: Uncertain significance. Last evaluated: 2025-02-07. Review status: criteria provided, single submitter. Criteria: Ambry Variant Classification Scheme 2023. Collection method: clinical testing. Allele origin: germline.

Illumina Laboratory Services, Illumina
Classification: Benign for MONILETHRIX 1. Last evaluated: 2018-01-13. Review status: criteria provided, single submitter. Criteria: ICSL Variant Classification Criteria 13 December 2019. Collection method: clinical testing. Allele origin: germline.
Comment: This variant was observed in the ICSL laboratory as part of a predisposition screen in an ostensibly healthy population. It had not been previously curated by ICSL or reported in the Human Gene Mutation Database (HGMD: prior to June 1st, 2018), and was therefore a candidate for classification through an automated scoring system. Utilizing variant allele frequency, disease prevalence and penetrance estimates, and inheritance mode, an automated score was calculated to assess if this variant is too frequent to cause the disease. Based on the score and internal cut-off values, a variant classified as benign is not then subjected to further curation. The score for this variant resulted in a classification of benign for this disease.